The following is an entry in ClinVar:

NM_004341.5(CAD):c.2646-7A>G

Genes: CAD (carbamoyl-phosphate synthetase 2, aspartate transcarbamylase, and dihydroorotase; plus strand), LOC126806171 (BRD4-independent group 4 enhancer GRCh37_chr2:27454350-27455549; plus strand). Cytogenetic location: 2p23.3.
Variant type: single nucleotide variant.
Coding change: c.2646-7A>G on transcript NM_004341.5 (MANE Select); 7 bases into the intron before coding-DNA position 2646, A replaced by G.
Molecular consequence: intron variant.
Genome position (GRCh38, 1-based): chr2:27,232,441, A>G. VCF-style: chr2-27232441-A-G. GRCh37 (hg19) VCF-style: chr2-27455309-A-G.
Other names: p.?; c.2457-7A>G (NM_001306079.2).
Identifiers: ClinVar variation 508743 (VCV000508743.57), dbSNP rs202227357, ClinGen allele CA1573081.

ClinVar aggregate classification (germline): Likely benign. Review status: criteria provided, multiple submitters, no conflicts (2 of 4 stars). 6 submissions from 6 submitters: Likely benign (6). Last evaluated 2026-01-28.

Conditions:
Developmental and epileptic encephalopathy, 50 (DEE50). Also called: Epileptic encephalopathy, early infantile, 50. Identifiers: Orphanet 448010, MedGen C4225320, MONDO:0014647, OMIM 616457.

Allele frequency attached by ClinVar (database versions not stated): TOPMed 0.00046; gnomAD 0.00051 and 0.00052; ExAC 0.00090; ESP Exome Variant Server 0.00092; gnomAD exomes 0.00063 and 0.00072.
gnomAD v4.1: 1,123 of 1,613,840 alleles (0.07%); highest among the groups gnomAD compares: Middle Eastern, 0.13%; no homozygotes.

Submissions (6):

Labcorp Genetics (formerly Invitae), Labcorp
Classification: Likely benign. Last evaluated: 2026-01-28. Review status: criteria provided, single submitter. Criteria: Invitae Variant Classification Sherloc (09022015). Collection method: clinical testing. Allele origin: germline.

Mayo Clinic Laboratories, Mayo Clinic
Classification: Likely benign. Last evaluated: 2025-10-08. Review status: criteria provided, single submitter. Criteria: ACMG Guidelines, 2015. Collection method: clinical testing. Allele origin: germline. Observed: 2 variant alleles.
Comment: BP4, BP7

Blueprint Genetics
Classification: Likely benign. Last evaluated: 2024-10-25. Review status: criteria provided, single submitter. Criteria: ACMG Guidelines, 2015. Collection method: clinical testing. Allele origin: germline.

ARUP Laboratories, Molecular Genetics and Genomics, ARUP Laboratories
Classification: Likely benign for Developmental and epileptic encephalopathy, 50. Last evaluated: 2024-07-15. Review status: criteria provided, single submitter. Criteria: ARUP Molecular Germline Variant Investigation Process 2024. Collection method: clinical testing. Allele origin: germline.

CeGaT Center for Human Genetics Tuebingen
Classification: Likely benign. Last evaluated: 2023-08-01. Review status: criteria provided, single submitter. Criteria: CeGaT Center For Human Genetics Tuebingen Variant Classification Criteria Version 2. Collection method: clinical testing. Allele origin: germline. Affected: yes. Observed: 3 variant alleles.
Comment: CAD: BP4

GeneDx
Classification: Likely benign. Last evaluated: 2017-04-05. Review status: criteria provided, single submitter. Criteria: GeneDx Variant Classification (06012015). Collection method: clinical testing. Allele origin: germline. Affected: yes.
Comment: This variant is considered likely benign or benign based on one or more of the following criteria: it is a conservative change, it occurs at a poorly conserved position in the protein, it is predicted to be benign by multiple in silico algorithms, and/or has population frequency not consistent with disease.